The following is an entry in ClinVar:

NM_170606.3(KMT2C):c.3886G>A (p.Gly1296Arg)

Gene: KMT2C (lysine methyltransferase 2C; minus strand). Cytogenetic location: 7q36.1.
Variant type: single nucleotide variant.
Coding change: c.3886G>A on transcript NM_170606.3 (MANE Select); coding-DNA position 3886, G replaced by A.
Protein change: p.Gly1296Arg; replaces glycine 1296 with arginine.
Molecular consequence: missense variant.
Genome position (GRCh38, 1-based): chr7:152,205,181, C>T on the plus strand (G>A on the coding strand, the complement: KMT2C is on the minus strand). VCF-style: chr7-152205181-C-T. GRCh37 (hg19) VCF-style: chr7-151902266-C-T.
Other names: short protein forms G1296R.
Identifiers: ClinVar variation 2637147 (VCV002637147.3), dbSNP rs2094268563, ClinGen allele CA370108263.

ClinVar aggregate classification (germline): Uncertain significance (0 of 4 stars; one submission).

Conditions:
KMT2C-related disorder. Also called: KMT2C-related disorders; KMT2C-related condition.

gnomAD v4.1: 2 of 1,611,572 alleles (0.00012%); no homozygotes.

Submission:

PreventionGenetics, part of Exact Sciences
Classification: Uncertain significance for KMT2C-related condition. Last evaluated: 2023-10-20. Review status: no assertion criteria provided. Collection method: clinical testing. Allele origin: germline.
Comment: The KMT2C c.3886G>A variant is predicted to result in the amino acid substitution p.Gly1296Arg. To our knowledge, this variant has not been reported in the literature or in a large population database, indicating this variant is rare. At this time, the clinical significance of this variant is uncertain due to the absence of conclusive functional and genetic evidence.